The following is an entry in ClinVar:

NM_003331.5(TYK2):c.809T>C (p.Phe270Ser)

Gene: TYK2 (tyrosine kinase 2; minus strand). Cytogenetic location: 19p13.2.
Variant type: single nucleotide variant.
Coding change: c.809T>C on transcript NM_003331.5 (MANE Select); coding-DNA position 809, T replaced by C.
Protein change: p.Phe270Ser; replaces phenylalanine 270 with serine.
Molecular consequence: missense variant.
Genome position (GRCh38, 1-based): chr19:10,365,719, A>G on the plus strand (T>C on the coding strand, the complement: TYK2 is on the minus strand). VCF-style: chr19-10365719-A-G. GRCh37 (hg19) VCF-style: chr19-10476395-A-G.
Other names: c.809T>C (LRG_121t1); short protein forms F270S.
Identifiers: ClinVar variation 658782 (VCV000658782.8), dbSNP rs1599351746, ClinGen allele CA404016879.
Genomic context (GRCh38, chr19:10,365,719, plus strand): 5'-GGCTCCCCCTCGGCCTGGGCCAGCAGCCTCAGGTGGCACACGGGCACACGCTCTGTGCCG[A>G]AGCGGGGTGCCAGCCGCTCGAGTGTGGCTAGGTATTTGACCATGACCATCTGCTGGGAGA-3'
Protein context (NP_003322.3, residues 260-280): LATLERLAPR[Phe270Ser]GTERVPVCHL

ClinVar aggregate classification (germline): Uncertain significance (1 of 4 stars; one submission).

Conditions:
Immunodeficiency 35 (IMD35). Also called: HIES WITH ATYPICAL MYCOBACTERIOSIS, AUTOSOMAL RECESSIVE; HYPER-IgE SYNDROME WITH ATYPICAL MYCOBACTERIOSIS, AUTOSOMAL RECESSIVE; TYK2 DEFICIENCY; Susceptibility to infection due to TYK2 deficiency. Identifiers: Orphanet 331226, MedGen C1969086, MONDO:0012682, OMIM 611521.

Submission:

Labcorp Genetics (formerly Invitae), Labcorp
Classification: Uncertain significance for Immunodeficiency 35. Last evaluated: 2022-01-07. Review status: criteria provided, single submitter. Criteria: Invitae Variant Classification Sherloc (09022015). Collection method: clinical testing. Allele origin: germline.
Comment: This variant is not present in population databases (gnomAD no frequency). This variant has not been reported in the literature in individuals affected with TYK2-related conditions. ClinVar contains an entry for this variant (Variation ID: 658782). Algorithms developed to predict the effect of missense changes on protein structure and function are either unavailable or do not agree on the potential impact of this missense change (SIFT: "Not Available"; PolyPhen-2: "Probably Damaging"; Align-GVGD: "Not Available"). In summary, the available evidence is currently insufficient to determine the role of this variant in disease. Therefore, it has been classified as a Variant of Uncertain Significance. This sequence change replaces phenylalanine, which is neutral and non-polar, with serine, which is neutral and polar, at codon 270 of the TYK2 protein (p.Phe270Ser).